The following is an entry in ClinVar:

NM_198578.4(LRRK2):c.2144G>A (p.Arg715Lys)

Gene: LRRK2 (leucine rich repeat kinase 2; plus strand). Cytogenetic location: 12q12.
Variant type: single nucleotide variant.
Coding change: c.2144G>A on transcript NM_198578.4 (MANE Select); coding-DNA position 2144, G replaced by A.
Protein change: p.Arg715Lys; replaces arginine 715 with lysine.
Molecular consequence: missense variant.
Genome position (GRCh38, 1-based): chr12:40,278,164, G>A. VCF-style: chr12-40278164-G-A. GRCh37 (hg19) VCF-style: chr12-40671966-G-A.
Other names: short protein forms R715K.
Identifiers: ClinVar variation 2587296 (VCV002587296.2), dbSNP rs1049838572, ClinGen allele CA384405123.

ClinVar aggregate classification (germline): Uncertain significance (1 of 4 stars; one submission).

Conditions:
Inborn genetic diseases. Identifiers: MedGen C0950123, MeSH D030342.

Submission:

Ambry Genetics
Classification: Uncertain significance for Inborn genetic diseases. Last evaluated: 2023-08-30. Review status: criteria provided, single submitter. Criteria: Ambry Variant Classification Scheme 2023. Collection method: clinical testing. Allele origin: germline.
Comment: The p.R715K variant (also known as c.2144G>A), located in coding exon 18 of the LRRK2 gene, results from a G to A substitution at nucleotide position 2144. The arginine at codon 715 is replaced by lysine, an amino acid with highly similar properties. This amino acid position is conserved. In addition, this alteration is predicted to be tolerated by in silico analysis. Since supporting evidence is limited at this time, the clinical significance of this alteration remains unclear.